The following is an entry in ClinVar:

ClinVar aggregate classification (germline): Uncertain significance. Review status: criteria provided, multiple submitters, no conflicts (2 of 4 stars). 2 submissions from 2 submitters: Uncertain significance (2). Last evaluated 2025-08-27.

Conditions:
Inborn genetic diseases. Identifiers: MedGen C0950123, MeSH D030342.

Allele frequency attached by ClinVar (database versions not stated): gnomAD exomes 0.00001; TOPMed 0.00001; ExAC 0.00001.
gnomAD v4.1: 12 of 1,614,120 alleles (0.00074%); highest among the groups gnomAD compares: Non-Finnish European, 0.001%; no homozygotes.

Submissions (2):

Ambry Genetics
Classification: Uncertain significance for Inborn genetic diseases. Last evaluated: 2025-08-27. Review status: criteria provided, single submitter. Criteria: Ambry Variant Classification Scheme 2023. Collection method: clinical testing. Allele origin: germline.

Labcorp Genetics (formerly Invitae), Labcorp
Classification: Uncertain significance. Last evaluated: 2025-03-17. Review status: criteria provided, single submitter. Criteria: Invitae Variant Classification Sherloc (09022015). Collection method: clinical testing. Allele origin: germline.
Comment: This sequence change replaces isoleucine, which is neutral and non-polar, with methionine, which is neutral and non-polar, at codon 634 of the ADAMTS18 protein (p.Ile634Met). This variant is present in population databases (rs781180776, gnomAD 0.005%). This variant has not been reported in the literature in individuals affected with ADAMTS18-related conditions. ClinVar contains an entry for this variant (Variation ID: 2131621). An algorithm developed to predict the effect of missense changes on protein structure and function outputs the following: PolyPhen-2: "Benign". The methionine amino acid residue is found in multiple mammalian species, which suggests that this missense change does not adversely affect protein function. In summary, the available evidence is currently insufficient to determine the role of this variant in disease. Therefore, it has been classified as a Variant of Uncertain Significance.

NM_199355.4(ADAMTS18):c.1902T>G (p.Ile634Met)

Gene: ADAMTS18 (ADAM metallopeptidase with thrombospondin type 1 motif 18; minus strand). Cytogenetic location: 16q23.1.
Variant type: single nucleotide variant.
Coding change: c.1902T>G on transcript NM_199355.4 (MANE Select); coding-DNA position 1902, T replaced by G.
Protein change: p.Ile634Met; replaces isoleucine 634 with methionine.
Molecular consequence: missense variant.
Genome position (GRCh38, 1-based): chr16:77,325,996, A>C on the plus strand (T>G on the coding strand, the complement: ADAMTS18 is on the minus strand). VCF-style: chr16-77325996-A-C. GRCh37 (hg19) VCF-style: chr16-77359893-A-C.
Other names: c.1902T>G (NM_199355.2); c.1386T>G, p.Ile462Met (NM_001326358.2); short protein forms I634M, I462M.
Identifiers: ClinVar variation 2131621 (VCV002131621.5), dbSNP rs781180776, ClinGen allele CA8181122.